The following is an entry in ClinVar:

ClinVar aggregate classification (germline): Uncertain significance (1 of 4 stars; one submission).

gnomAD v4.1: 27 of 1,610,930 alleles (0.0017%); highest among the groups gnomAD compares: South Asian, 0.019%; no homozygotes.

Submission:

Women's Health and Genetics/Laboratory Corporation of America, LabCorp
Classification: Uncertain significance. Last evaluated: 2025-09-03. Review status: criteria provided, single submitter. Criteria: LabCorp Variant Classification Summary - May 2015. Collection method: clinical testing. Allele origin: germline.
Comment: Variant summary: TFG c.299G>A (p.Ser100Asn) results in a conservative amino acid change in the encoded protein sequence. Algorithms developed to predict the effect of missense changes on protein structure and function are either unavailable or do not agree on the potential impact of this missense change. The variant allele was found at a frequency of 2.8e-05 in 248334 control chromosomes, predominantly at a frequency of 0.0002 within the South Asian subpopulation in the gnomAD database. The available data on variant occurrences in the general population are insufficient to allow any conclusion about variant significance. To our knowledge, no occurrence of c.299G>A in individuals affected with TFG-related conditions and no experimental evidence demonstrating its impact on protein function have been reported. No submitters have cited clinical-significance assessments for this variant to ClinVar. Based on the evidence outlined above, the variant was classified as uncertain significance.

NM_006070.6(TFG):c.299G>A (p.Ser100Asn)

Gene: TFG (trafficking from ER to golgi regulator; plus strand). Cytogenetic location: 3q12.2.
Variant type: single nucleotide variant.
Coding change: c.299G>A on transcript NM_006070.6 (MANE Select); coding-DNA position 299, G replaced by A.
Protein change: p.Ser100Asn; replaces serine 100 with asparagine.
Molecular consequence: missense variant.
Genome position (GRCh38, 1-based): chr3:100,728,742, G>A. VCF-style: chr3-100728742-G-A. GRCh37 (hg19) VCF-style: chr3-100447586-G-A.
Other names: c.299G>A, p.Ser100Asn (NM_001007565.2, NM_001195478.2, NM_001195479.2); short protein forms S100N.
Identifiers: ClinVar variation 4535857 (VCV004535857.1).